The following is an entry in ClinVar:

ClinVar aggregate classification (germline): Uncertain significance. Review status: reviewed by expert panel (3 of 4 stars). 6 submissions from 6 submitters: Uncertain significance (1). 5 of the submissions do not count toward it. Last evaluated 2020-03-09.

Conditions:
Cardiovascular phenotype. Identifiers: MedGen CN230736.
RASopathy. Also called: Noonan spectrum disorder; rasopathies. Identifiers: Orphanet 536391, MedGen C5555857, MONDO:0021060.
Noonan syndrome 5 (NS5). Also called: RAF1-Related Noonan Syndrome. Identifiers: Orphanet 648, MedGen C1969057, MONDO:0012690, OMIM 611553. Disease mechanism: gain of function.

Submissions (6):

ClinGen RASopathy Variant Curation Expert Panel
Classification: Uncertain significance for RASopathy. Last evaluated: 2020-03-09. Review status: reviewed by expert panel. Criteria: ClinGen RASopathy ACMG Specifications v1. Collection method: curation. Allele origin: germline. Inheritance: Autosomal dominant inheritance.
Comment: The c.779C>T (p.Thr260Ile) variant in RAF1 was absent from large population databases (PM2). It occurs in the CR2 domain of the protein, which has been identified as a region important for protein function (PM1, 29493581). In vitro functional assays indicate that this variant may impact protein function (PS3; PMID: 20679480). The variant is located in the RAF1 gene, which has been defined by the ClinGen RASopathy Expert Panel as a gene with a low rate of benign missense variants and pathogenic variants are common (PP2; PMID: 29493581). Computational prediction tools and conservation analyses do not provide strong support for or against an impact to the protein. This variant has been observed in multiple probands who lacked consistent RASopathy phenotypes; however, many probands presented with cardiomyopathy (PMID: 17603483; Blueprint Genetics internal data, SCV000264163.2; Invitae internal data, SCV000824563.1; Ambry internal data, SCV000740058.2; GeneDx internal data, SCV000582743.4). Although criteria suggest that this variant is likely pathogenic given its location and in vitro functional studies, the lack of clear clinical presentations of a RASopathy phenotype supports that this variant is of uncertain significance at this time. RASopathy-specific ACMG/AMP criteria applied: PS3, PM1, PM2, PP2.

Dasa
Classification: Uncertain significance for Noonan syndrome 5. Last evaluated: 2025-11-21. Review status: criteria provided, single submitter. Criteria: DASA Assertion Criteria. Collection method: clinical testing. Allele origin: germline. Not counted in ClinVar's aggregate classification.
Comment: NM_002880.4(RAF1):c.779C>T (p.Thr260Ile) is a missense variant that results in the substitution of threonine with isoleucine. The affected residue or protein region has prior evidence supporting clinical relevance. This variant has been reported in individuals with RAF1-related disorders (PMID: 17603483). Also, this variant is absent from population databases. Computational prediction algorithms are consistent with a deleterious effect. The currently available literature and clinical evidence are not sufficient to establish a definitive association between this variant and the reported condition. Therefore, this variant is classified as a variant of uncertain significance.

Labcorp Genetics (formerly Invitae), Labcorp
Classification: Pathogenic for RASopathy. Last evaluated: 2025-11-08. Review status: criteria provided, single submitter. Criteria: Invitae Variant Classification Sherloc (09022015). Collection method: clinical testing. Allele origin: germline. Not counted in ClinVar's aggregate classification.
Comment: This sequence change replaces threonine, which is neutral and polar, with isoleucine, which is neutral and non-polar, at codon 260 of the RAF1 protein (p.Thr260Ile). This variant is not present in population databases (gnomAD no frequency). This missense change has been observed in individual(s) with clinical features of Noonan syndrome (PMID: 17603483; internal data). In at least one individual the variant was observed to be de novo. ClinVar contains an entry for this variant (Variation ID: 222774). Invitae Evidence Modeling incorporating data from in vitro experimental studies (internal data) indicates that this missense variant is expected to disrupt RAF1 function with a positive predictive value of 95%. Experimental studies have shown that this missense change affects RAF1 function (PMID: 20679480). This variant disrupts the p.Thr260 amino acid residue in RAF1. Other variant(s) that disrupt this residue have been determined to be pathogenic (PMID: 17603483; internal data). This suggests that this residue is clinically significant, and that variants that disrupt this residue are likely to be disease-causing. For these reasons, this variant has been classified as Pathogenic.

Ambry Genetics
Classification: Pathogenic for Cardiovascular phenotype. Last evaluated: 2025-05-22. Review status: criteria provided, single submitter. Criteria: Ambry Variant Classification Scheme 2023. Collection method: clinical testing. Allele origin: germline. Not counted in ClinVar's aggregate classification.
Comment: The p.T260I variant (also known as c.779C>T), located in coding exon 6 of the RAF1 gene, results from a C to T substitution at nucleotide position 779. The threonine at codon 260 is replaced by isoleucine, an amino acid with similar properties. This alteration is located in the consensus recognition site for 14-3-3, which is a hotspot for Noonan syndrome (NS) mutations. Mutations in this region have been associated with a high prevalence of hypertrophic cardiomyopathy (Pandit B et al. Nat. Genet. 2007;39:1007-12). This variant was identified in one or more individuals with features consistent with RAF1-related RASopathy and segregated with disease in at least one family (Pandit B et al. Nat Genet, 2007 Aug;39:1007-12; Boleti OD et al. Int J Cardiol, 2023 Dec;393:131405; Al-Kouatly HB et al. Genet Med, 2021 Jul;23:1325-1333; Hathaway J et al. BMC Cardiovasc Disord, 2021 Mar;21:126; external communication; Ambry internal data). Functional studies have demonstrated that this alteration leads to decreased phosphorylation of an invariant phosphorylated serine in the 14-3-3 recognition site, impaired 14-3-3 binding affinity, and increased RAF1 catalytic activity (Molzan M et al. Mol. Cell. Biol. 2010;30:4698-711). Other variant(s) at the same codon, p.T260R (c.779C>G), have been identified in individual(s) with features consistent with RAF1-related RASopathy (Pandit B et al. Nat. Genet. 2007;39:1007-12). This amino acid position is highly conserved in available vertebrate species. In addition, this alteration is predicted to be deleterious by in silico analysis. This variant is considered to be rare based on population cohorts in the Genome Aggregation Database (gnomAD). Based on the supporting evidence, this variant is interpreted as a disease-causing mutation.

GeneDx
Classification: Pathogenic. Last evaluated: 2023-07-31. Review status: criteria provided, single submitter. Criteria: GeneDx Variant Classification Process June 2021. Collection method: clinical testing. Allele origin: germline. Affected: yes. Not counted in ClinVar's aggregate classification.
Comment: Not observed at significant frequency in large population cohorts (gnomAD); Missense variants in this gene are often considered pathogenic (HGMD); Published functional studies suggest a damaging effect as the p.(T260I) variant has decreased affinity for C-RAF-PSer, increased enzymatic activity and decreases p.S259 phosphorylation suggestive of an overactive Ras-RAF-MAPK pathway (Molzan et al., 2010); In silico analysis supports that this missense variant has a deleterious effect on protein structure/function; This variant is associated with the following publications: (PMID: 24803665, 33686258, 17603483, 33673806, 29493581, 24957944, 9689060, 15520807, 17603482, 19020799, 20679480)

Revvity Omics, Revvity
Classification: Likely pathogenic. Last evaluated: 2019-11-27. Review status: criteria provided, single submitter. Criteria: ACMG Guidelines, 2015. Collection method: clinical testing. Allele origin: germline. Not counted in ClinVar's aggregate classification.

Literature cited by the submitters: PubMed 20679480 (cited by 3 submitters); PubMed 17603483 (cited by 3 submitters); PubMed 33673806 (cited by Dasa and Ambry Genetics); PubMed 37777071 (cited by Dasa and Ambry Genetics); PubMed 33686258 (cited by Dasa and Ambry Genetics); PubMed 24803665 (cited by Ambry Genetics).

NM_002880.4(RAF1):c.779C>T (p.Thr260Ile)

Gene: RAF1 (Raf-1 proto-oncogene, serine/threonine kinase; minus strand). Cytogenetic location: 3p25.2.
Variant type: single nucleotide variant.
Coding change: c.779C>T on transcript NM_002880.4 (MANE Select); coding-DNA position 779, C replaced by T.
Protein change: p.Thr260Ile; replaces threonine 260 with isoleucine.
Molecular consequence: missense variant. On other transcripts: non-coding transcript variant (3).
Genome position (GRCh38, 1-based): chr3:12,604,191, G>A on the plus strand (C>T on the coding strand, the complement: RAF1 is on the minus strand). VCF-style: chr3-12604191-G-A. GRCh37 (hg19) VCF-style: chr3-12645690-G-A.
Other names: c.779C>T (NM_002880.3); c.779C>T, p.Thr260Ile (NM_001354689.3, NM_001354690.3); c.536C>T, p.Thr179Ile (NM_001354691.3, NM_001354692.3, NM_001354694.3); c.680C>T, p.Thr227Ile (NM_001354693.3); c.437C>T, p.Thr146Ile (NM_001354695.3); short protein forms T260I, T146I, T179I, T227I.
Identifiers: ClinVar variation 222774 (VCV000222774.25), dbSNP rs869025501, ClinGen allele CA351736.
Genomic context (GRCh38, chr3:12,604,191, plus strand): 5'-ATTACCTCAATCATCCTGCTGTCCACAGGCAGGGTGGTGCTGACCATGTGGACATTAGGT[G>A]TGGATGTCGACCTCTGCCTCTGGGAGAGGGAACCTTCAGATGAGGGACTGGAGGTGTTAA-3'
Protein context (NP_002871.1, residues 250-270): SLSQRQRSTS[Thr260Ile]PNVHMVSTTL